The following is an entry in ClinVar:

NM_001040716.2(PC):c.2285G>C (p.Arg762Pro)

Gene: PC (pyruvate carboxylase; minus strand). Cytogenetic location: 11q13.2.
Variant type: single nucleotide variant.
Coding change: c.2285G>C on transcript NM_001040716.2 (MANE Select); coding-DNA position 2285, G replaced by C.
Protein change: p.Arg762Pro; replaces arginine 762 with proline.
Molecular consequence: missense variant.
Genome position (GRCh38, 1-based): chr11:66,850,862, C>G on the plus strand (G>C on the coding strand, the complement: PC is on the minus strand). VCF-style: chr11-66850862-C-G. GRCh37 (hg19) VCF-style: chr11-66618333-C-G.
Other names: c.2285G>C, p.Arg762Pro (NM_000920.4, NM_022172.3); short protein forms R762P.
Identifiers: ClinVar variation 1716817 (VCV001716817.5), dbSNP rs574858955, ClinGen allele CA381493301.

ClinVar aggregate classification (germline): Uncertain significance (1 of 4 stars; one submission).

Conditions:
Pyruvate carboxylase deficiency. Also called: ATAXIA WITH LACTIC ACIDOSIS II; Pyruvate Carboxylase Deficiency Disease; LEIGH NECROTIZING ENCEPHALOPATHY DUE TO PYRUVATE CARBOXYLASE DEFICIENCY; LEIGH SYNDROME DUE TO PYRUVATE CARBOXYLASE DEFICIENCY; PC DEFICIENCY. Identifiers: Orphanet 3008, MedGen C0034341, MONDO:0009949, OMIM 266150.

Submission:

Labcorp Genetics (formerly Invitae), Labcorp
Classification: Uncertain significance for Pyruvate carboxylase deficiency. Last evaluated: 2023-08-17. Review status: criteria provided, single submitter. Criteria: Invitae Variant Classification Sherloc (09022015). Collection method: clinical testing. Allele origin: germline.
Comment: In summary, the available evidence is currently insufficient to determine the role of this variant in disease. Therefore, it has been classified as a Variant of Uncertain Significance. Advanced modeling of protein sequence and biophysical properties (such as structural, functional, and spatial information, amino acid conservation, physicochemical variation, residue mobility, and thermodynamic stability) performed at Invitae indicates that this missense variant is not expected to disrupt PC protein function. ClinVar contains an entry for this variant (Variation ID: 1716817). This variant has not been reported in the literature in individuals affected with PC-related conditions. This variant is not present in population databases (gnomAD no frequency). This sequence change replaces arginine, which is basic and polar, with proline, which is neutral and non-polar, at codon 762 of the PC protein (p.Arg762Pro).